The following is an entry in ClinVar:

ClinVar aggregate classification (germline): Benign (1 of 4 stars; one submission).

Conditions:
Cayman type cerebellar ataxia. Also called: Cayman ataxia. Identifiers: Orphanet 94122, MedGen C1832585, MONDO:0011025, OMIM 601238.

Allele frequency attached by ClinVar (database versions not stated): gnomAD 0.02720 and 0.02886; TOPMed 0.02962; 1000 Genomes Project 0.03315; 1000 Genomes Project 30x 0.03670.

Submission:

Illumina Laboratory Services, Illumina
Classification: Benign for Cayman type cerebellar ataxia. Last evaluated: 2018-01-12. Review status: criteria provided, single submitter. Criteria: ICSL Variant Classification Criteria 13 December 2019. Collection method: clinical testing. Allele origin: germline.
Comment: This variant was observed in the ICSL laboratory as part of a predisposition screen in an ostensibly healthy population. It had not been previously curated by ICSL or reported in the Human Gene Mutation Database (HGMD: prior to June 1st, 2018), and was therefore a candidate for classification through an automated scoring system. Utilizing variant allele frequency, disease prevalence and penetrance estimates, and inheritance mode, an automated score was calculated to assess if this variant is too frequent to cause the disease. Based on the score and internal cut-off values, a variant classified as benign is not then subjected to further curation. The score for this variant resulted in a classification of benign for this disease.

NM_033064.5(ATCAY):c.*1542C>T

Gene: ATCAY (ATCAY kinesin light chain interacting caytaxin; plus strand). Cytogenetic location: 19p13.3.
Variant type: single nucleotide variant.
Coding change: c.*1542C>T on transcript NM_033064.5 (MANE Select); 1542 bases downstream of the stop codon, C replaced by T.
Molecular consequence: 3 prime UTR variant.
Genome position (GRCh38, 1-based): chr19:3,926,134, C>T. VCF-style: chr19-3926134-C-T. GRCh37 (hg19) VCF-style: chr19-3926132-C-T.
Identifiers: ClinVar variation 329185 (VCV000329185.5), dbSNP rs10404967, ClinGen allele CA10651935.
Genomic context (GRCh38, chr19:3,926,134, plus strand): 5'-GGTGGGTGGATCACCTGAGGTCAGGAGTTCAAGACCAGCCTGGTGAACATGGCGAAACCC[C>T]GTCTCTAATAAAAATACAAAAATTAGCCGGGCATGGTGGTGCATGCCTGTAATCCCAGCT-3'